The following is an entry in ClinVar:

ClinVar aggregate classification (germline): Uncertain significance (1 of 4 stars; one submission).

Conditions:
Focal segmental glomerulosclerosis 5 (FSGS5). Identifiers: Orphanet 656, MedGen C2750475, MONDO:0013191, OMIM 613237.
Charcot-Marie-Tooth disease dominant intermediate E. Also called: CHARCOT-MARIE-TOOTH NEUROPATHY WITH FOCAL SEGMENTAL GLOMERULONEPHRITIS. Identifiers: Orphanet 93114, MedGen C4302667, MONDO:0013758, OMIM 614455.

Submission:

Labcorp Genetics (formerly Invitae), Labcorp
Classification: Uncertain significance for Charcot-Marie-Tooth disease dominant intermediate E; Focal segmental glomerulosclerosis 5. Last evaluated: 2024-10-22. Review status: criteria provided, single submitter. Criteria: Invitae Variant Classification Sherloc (09022015). Collection method: clinical testing. Allele origin: germline.
Comment: This sequence change replaces lysine, which is basic and polar, with asparagine, which is neutral and polar, at codon 677 of the INF2 protein (p.Lys677Asn). This variant is not present in population databases (gnomAD no frequency). This variant has not been reported in the literature in individuals affected with INF2-related conditions. Invitae Evidence Modeling of protein sequence and biophysical properties (such as structural, functional, and spatial information, amino acid conservation, physicochemical variation, residue mobility, and thermodynamic stability) indicates that this missense variant is not expected to disrupt INF2 protein function with a negative predictive value of 95%. In summary, the available evidence is currently insufficient to determine the role of this variant in disease. Therefore, it has been classified as a Variant of Uncertain Significance.

NM_022489.4(INF2):c.2031G>T (p.Lys677Asn)

Gene: INF2 (inverted formin 2; plus strand). Cytogenetic location: 14q32.33.
Variant type: single nucleotide variant.
Coding change: c.2031G>T on transcript NM_022489.4 (MANE Select); coding-DNA position 2031, G replaced by T.
Protein change: p.Lys677Asn; replaces lysine 677 with asparagine.
Molecular consequence: missense variant. On other transcripts: non-coding transcript variant (1).
Genome position (GRCh38, 1-based): chr14:104,709,362, G>T. VCF-style: chr14-104709362-G-T. GRCh37 (hg19) VCF-style: chr14-105175699-G-T.
Other names: c.2031G>T, p.Lys677Asn (NM_001031714.4, NM_001426862.1, NM_001426863.1 and 2 more transcripts); short protein forms K677N.
Identifiers: ClinVar variation 3753954 (VCV003753954.2).